The following is an entry in ClinVar:

ClinVar aggregate classification (germline): Conflicting classifications of pathogenicity. Review status: criteria provided, conflicting classifications (1 of 4 stars). 6 submissions from 5 submitters: Uncertain significance (3); Likely benign (3). Last evaluated 2026-07-29.

Conditions:
Maturity-onset diabetes of the young type 1. Also called: MODY, type I; MILD JUVENILE DIABETES MELLITUS; MODY type 1; Diabetes mellitus MODY type 1; MODY HNF4A related; HNF4A-Related Maturity-Onset Diabetes of the Young Type 1. Identifiers: Orphanet 552, MedGen C1852093, MONDO:0007452, OMIM 125850. Disease mechanism: loss of function.
Maturity-onset diabetes of the young (MODY). Also called: Maturity onset diabetes mellitus in young. Identifiers: Orphanet 552, MedGen C0342276, MONDO:0018911, HP:0004904.
HNF4A-related disorder. Also called: HNF4A-related condition.
Familial hyperinsulinism. Also called: Congenital hyperinsulinism. Identifiers: Orphanet 276525, MedGen C3888018, MONDO:0017182. Disease mechanism: loss of function.

Allele frequency attached by ClinVar (database versions not stated): gnomAD 0.00004 and 0.00005; gnomAD exomes 0.00006 and 0.00009; TOPMed 0.00006; ExAC 0.00010.

Submissions (6):

PreventionGenetics, part of Exact Sciences
Classification: Likely benign for HNF4A-related condition. Last evaluated: 2026-07-29. Review status: criteria provided, single submitter. Criteria: ACMG Guidelines, 2015. Collection method: clinical testing. Allele origin: germline.
Comment: This variant is classified as likely benign based on ACMG/AMP sequence variant interpretation guidelines (Richards et al. 2015 PMID: 25741868, with internal and published modifications).

Blueprint Genetics
Classification: Uncertain significance. Last evaluated: 2024-09-13. Review status: criteria provided, single submitter. Criteria: ACMG Guidelines, 2015. Collection method: clinical testing. Allele origin: germline.

GeneDx
Classification: Likely benign. Last evaluated: 2018-12-04. Review status: criteria provided, single submitter. Criteria: GeneDx Variant Classification Process June 2021. Collection method: clinical testing. Allele origin: germline. Affected: yes.
Comment: See Variant Classification Assertion Criteria.

Illumina Laboratory Services, Illumina
Classification: Likely benign for Maturity-onset diabetes of the young type 1. Last evaluated: 2018-01-13. Review status: criteria provided, single submitter. Criteria: ICSL Variant Classification Criteria 13 December 2019. Collection method: clinical testing. Allele origin: germline.
Comment: This variant was observed in the ICSL laboratory as part of a predisposition screen in an ostensibly healthy population. It had not been previously curated by ICSL or reported in the Human Gene Mutation Database (HGMD: prior to June 1st, 2018), and was therefore a candidate for classification through an automated scoring system. Utilizing variant allele frequency, disease prevalence and penetrance estimates, and inheritance mode, an automated score was calculated to assess if this variant is too frequent to cause the disease. Based on the score and internal cut-off values, a variant classified as likely benign is not then subjected to further curation. The score for this variant resulted in a classification of likely benign for this disease.

Illumina Laboratory Services, Illumina
Classification: Uncertain significance for Familial hyperinsulinism. Last evaluated: 2018-01-13. Review status: criteria provided, single submitter. Criteria: ICSL Variant Classification Criteria 13 December 2019. Collection method: clinical testing. Allele origin: germline.

Clinical Genomics, Uppaluri K&H Personalized Medicine Clinic
Classification: Uncertain significance for Maturity-onset diabetes of the young. Review status: criteria provided, single submitter. Criteria: K & H Uppaluri Personalized Medicine Clinic Variant Classification & Assertion Criteria_Updated V.1. Collection method: research. Allele origin: unknown. Inheritance: Autosomal dominant inheritance.
Comment: Potent mutations in HNF4A are associated with poor insulin secretion in response to hyperglycemia. Associated with MODY1. Patients initially respond well to sulfonylureas but eventually become insulin dependent. However, more evidence is required to ascertain the role of this particular variant rs201330472 in MODY, yet.

Literature cited by the submitters: PubMed 18268044 (cited by Clinical Genomics, Uppaluri K&H Personalized Medicine Clinic); PubMed 17563455 (cited by Clinical Genomics, Uppaluri K&H Personalized Medicine Clinic); PubMed 32583173 (cited by Clinical Genomics, Uppaluri K&H Personalized Medicine Clinic); PubMed 35052457 (cited by Clinical Genomics, Uppaluri K&H Personalized Medicine Clinic); PubMed 35118593 (cited by Clinical Genomics, Uppaluri K&H Personalized Medicine Clinic); DOI 10.1159/000334532 (cited by Clinical Genomics, Uppaluri K&H Personalized Medicine Clinic).

NM_175914.5(HNF4A):c.*1C>A

Gene: HNF4A (hepatocyte nuclear factor 4 alpha; plus strand). Cytogenetic location: 20q13.12.
Variant type: single nucleotide variant.
Coding change: c.*1C>A on transcript NM_175914.5 (MANE Select); 1 bases downstream of the stop codon, C replaced by A.
Molecular consequence: 3 prime UTR variant.
Genome position (GRCh38, 1-based): chr20:44,429,666, C>A. VCF-style: chr20-44429666-C-A. GRCh37 (hg19) VCF-style: chr20-43058306-C-A.
Other names: c.*1C>A (NM_175914.4, NM_000457.6, NM_001030003.3 and 4 more transcripts).
Identifiers: ClinVar variation 338430 (VCV000338430.9), dbSNP rs201330472, ClinGen allele CA9870546.
Genomic context (GRCh38, chr20:44,429,666, plus strand): 5'-ATCGTCAAGCCCCTCTCTGCCATCCCCCAGCCGACCATCACCAAGCAGGAAGTTATCTAG[C>A]AAGCCGCTGGGGCTTGGGGGCTCCACTGGCTCCCCCCAGCCCCCTAAGAGAGCACCTGGT-3'